The following is an entry in ClinVar:

ClinVar aggregate classification (germline): Likely benign (1 of 4 stars; one submission).

Submission:

Women's Health and Genetics/Laboratory Corporation of America, LabCorp
Classification: Likely benign. Last evaluated: 2025-12-22. Review status: criteria provided, single submitter. Criteria: LabCorp Variant Classification Summary - May 2015. Collection method: clinical testing. Allele origin: germline.
Comment: Variant summary: APP c.2065-20_2065-15delTTTCTT alters a conserved nucleotide located at a position not widely known to affect splicing. Consensus agreement among computation tools predict no significant impact on normal splicing. However, these predictions have yet to be confirmed by functional studies. The variant was absent in 247828 control chromosomes. The available data on variant occurrences in the general population are insufficient to allow any conclusion about variant significance. To our knowledge, no occurrence of c.2065-20_2065-15delTTTCTT in individuals affected with APP-related conditions and no experimental evidence demonstrating its impact on protein function have been reported. No submitters have cited clinical-significance assessments for this variant to ClinVar. Based on the evidence outlined above, the variant was classified as likely benign.

NM_000484.4(APP):c.2065-20_2065-15del

Gene: APP (amyloid beta precursor protein; minus strand). Cytogenetic location: 21q21.3.
Variant type: Deletion.
Coding change: c.2065-20_2065-15del on transcript NM_000484.4 (MANE Select); 20 bases into the intron before coding-DNA position 2065 through 15 bases into the intron before coding-DNA position 2065, 6 bases deleted (TTTCTT; older notation c.2065-20_2065-15delTTTCTT).
Molecular consequence: intron variant.
Genome position (GRCh38, 1-based): chr21:25,891,883-25,891,888, AAGAAA deleted on the plus strand (TTTCTT on the coding strand, the reverse complement: APP is on the minus strand); deleting any 6 consecutive bases within chr21:25,891,883-25,891,893 gives the same sequence; the c. name uses the placement nearest the transcript's 3' end. VCF-style (leftmost placement, unchanged base first): chr21-25891882-TAAGAAA-T. GRCh37 (hg19) VCF-style: chr21-27264194-TAAGAAA-T.
Other names: c.2065-20_2065-15delTTTCTT (NM_000484.4); c.1735-20_1735-15del (NM_001136131.3); c.1672-20_1672-15del (NM_001136129.3); c.1897-20_1897-15del (NM_001136130.3, NM_001385253.1); c.1786-20_1786-15del (NM_001204303.2); c.1840-20_1840-15del (NM_201414.3); c.1954-20_1954-15del (NM_001204302.2); c.2008-20_2008-15del (NM_201413.3); and 2 more.
Identifiers: ClinVar variation 4688931 (VCV004688931.1).